The following is an entry in ClinVar:

NM_018648.4(NOP10):c.*31C>T

Gene: NOP10 (NOP10 ribonucleoprotein; minus strand). Cytogenetic location: 15q14.
Variant type: single nucleotide variant.
Coding change: c.*31C>T on transcript NM_018648.4 (MANE Select); 31 bases downstream of the stop codon, C replaced by T.
Molecular consequence: 3 prime UTR variant.
Genome position (GRCh38, 1-based): chr15:34,341,937, G>A on the plus strand (C>T on the coding strand, the complement: NOP10 is on the minus strand). VCF-style: chr15-34341937-G-A. GRCh37 (hg19) VCF-style: chr15-34634138-G-A.
Identifiers: ClinVar variation 315635 (VCV000315635.11), dbSNP rs1045204, ClinGen allele CA7464755.

ClinVar aggregate classification (germline): Benign. Review status: criteria provided, multiple submitters, no conflicts (2 of 4 stars). 4 submissions from 4 submitters: Benign (4). Last evaluated 2024-01-24.

Conditions:
Dyskeratosis congenita, autosomal recessive 1. Identifiers: Orphanet 1775, MedGen C1857144, MONDO:0009136, OMIM 224230.

Allele frequency attached by ClinVar (database versions not stated): gnomAD exomes 0.16482; 1000 Genomes Project 0.20547; gnomAD 0.14951 and 0.14460; ESP Exome Variant Server 0.13356; TOPMed 0.15677; ExAC 0.16673; 1000 Genomes Project 30x 0.19863.
gnomAD v4.1: 244,646 of 1,608,932 alleles (15%); highest among the groups gnomAD compares: East Asian, 31%; 19,882 homozygotes.

Submissions (4):

Unidad de Genómica Garrahan, Hospital de Pediatría Garrahan
Classification: Benign. Last evaluated: 2024-01-24. Review status: criteria provided, single submitter. Criteria: ACMG Guidelines, 2015. Collection method: clinical testing. Allele origin: germline. Affected: no. Observed: 30 variant alleles.
Comment: This variant is classified as Benign based on local population frequency. This variant was detected in 32% of patients studied by a panel of primary immunodeficiencies. Number of patients: 30. Only high quality variants are reported.

GeneDx
Classification: Benign. Last evaluated: 2018-11-12. Review status: criteria provided, single submitter. Criteria: GeneDx Variant Classification Process June 2021. Collection method: clinical testing. Allele origin: germline. Affected: yes.

Illumina Laboratory Services, Illumina
Classification: Benign for Dyskeratosis congenita, autosomal recessive 1. Last evaluated: 2018-01-12. Review status: criteria provided, single submitter. Criteria: ICSL Variant Classification Criteria 13 December 2019. Collection method: clinical testing. Allele origin: germline.
Comment: This variant was observed in the ICSL laboratory as part of a predisposition screen in an ostensibly healthy population. It had not been previously curated by ICSL or reported in the Human Gene Mutation Database (HGMD: prior to June 1st, 2018), and was therefore a candidate for classification through an automated scoring system. Utilizing variant allele frequency, disease prevalence and penetrance estimates, and inheritance mode, an automated score was calculated to assess if this variant is too frequent to cause the disease. Based on the score and internal cut-off values, a variant classified as benign is not then subjected to further curation. The score for this variant resulted in a classification of benign for this disease.

Breakthrough Genomics
Classification: Benign. Review status: criteria provided, single submitter. Criteria: ACMG Guidelines, 2015. Collection method: not provided. Allele origin: germline. Inheritance: Autosomal recessive inheritance. Affected: yes.